The following is an entry in ClinVar:

NM_152468.5(TMC8):c.1449_1450delinsCT (p.Val484Phe)

Gene: TMC8 (transmembrane channel like 8; plus strand). Cytogenetic location: 17q25.3.
Variant type: Indel.
Coding change: c.1449_1450delinsCT on transcript NM_152468.5 (MANE Select); coding-DNA positions 1449 to 1450, GG replaced by CT.
Protein change: p.Val484Phe; replaces valine 484 with phenylalanine.
Molecular consequence: missense variant.
Genome position (GRCh38, 1-based): chr17:78,138,104-78,138,105, GG replaced by CT. VCF-style: chr17-78138104-GG-CT. GRCh37 (hg19) VCF-style: chr17-76134185-GG-CT.
Other names: short protein forms V484F.
Identifiers: ClinVar variation 1461519 (VCV001461519.6), dbSNP rs2145710563, ClinGen allele CA2573154894.
Genomic context (GRCh38, chr17:78,138,104, plus strand): 5'-GCTGGAACGGGAGGAGTTCCTGGTCCCCAAGAATGTGCTGGACATCGTGGCGGGGCAGAC[GG>CT]TCACCTGGATGGGCCTCTTCTACTGCCCCCTGCTGCCCCTGCTGAATAGCGTCTTCCTCT-3'
Protein context (NP_689681.2, residues 474-494): NVLDIVAGQT[Val484Phe]TWMGLFYCPL

ClinVar aggregate classification (germline): Uncertain significance (1 of 4 stars; one submission).

Conditions:
Epidermodysplasia verruciformis. Identifiers: Orphanet 302, MedGen C0014522, MONDO:0009176.

Submission:

Labcorp Genetics (formerly Invitae), Labcorp
Classification: Uncertain significance for Epidermodysplasia verruciformis. Last evaluated: 2021-01-08. Review status: criteria provided, single submitter. Criteria: Invitae Variant Classification Sherloc (09022015). Collection method: clinical testing. Allele origin: germline.
Comment: In summary, the available evidence is currently insufficient to determine the role of this variant in disease. Therefore, it has been classified as a Variant of Uncertain Significance. Experimental studies and prediction algorithms are not available or were not evaluated, and the functional significance of this variant is currently unknown. This variant has not been reported in the literature in individuals with TMC8-related conditions. The frequency data for this variant in the population databases is not available, as this variant may be reported as separate entries in the ExAC database. This sequence change replaces valine with phenylalanine at codon 484 of the TMC8 protein (p.Val484Phe). The valine residue is highly conserved and there is a small physicochemical difference between valine and phenylalanine.